The following is an entry in ClinVar:

NM_017757.3(ZNF407):c.4507T>C (p.Leu1503=)

Gene: ZNF407 (zinc finger protein 407; plus strand). Cytogenetic location: 18q22.3.
Variant type: single nucleotide variant.
Coding change: c.4507T>C on transcript NM_017757.3 (MANE Select); coding-DNA position 4507, T replaced by C.
Protein change: p.Leu1503=; no amino-acid change (leucine 1503 retained).
Molecular consequence: synonymous variant.
Genome position (GRCh38, 1-based): chr18:74,635,526, T>C. VCF-style: chr18-74635526-T-C. GRCh37 (hg19) VCF-style: chr18-72347482-T-C.
Other names: c.4507T>C, p.Leu1503= (NM_001146189.1, NM_001146190.1, NM_001384475.1).
Identifiers: ClinVar variation 130823 (VCV000130823.7), dbSNP rs12327359, ClinGen allele CA156127.

ClinVar aggregate classification (germline): Benign. Review status: criteria provided, multiple submitters, no conflicts (2 of 4 stars). 3 submissions from 3 submitters: Benign (2). 1 of the submissions does not count toward it. Last evaluated 2015-10-27.

Allele frequency attached by ClinVar (database versions not stated): ExAC 0.41981; 1000 Genomes Project 0.42392; 1000 Genomes Project 30x 0.42942; TOPMed 0.48702; ESP Exome Variant Server 0.51079.
gnomAD v4.1: 697,395 of 1,611,660 alleles (43%); highest among the groups gnomAD compares: African/African-American, 69%; 156,117 homozygotes.

Submissions (3):

GeneDx
Classification: Benign. Last evaluated: 2015-10-27. Review status: criteria provided, single submitter. Criteria: GeneDx Variant Classification (06012015). Collection method: clinical testing. Allele origin: germline. Affected: yes.
Comment: This variant is considered likely benign or benign based on one or more of the following criteria: it is a conservative change, it occurs at a poorly conserved position in the protein, it is predicted to be benign by multiple in silico algorithms, and/or has population frequency not consistent with disease.

Breakthrough Genomics
Classification: Benign. Review status: criteria provided, single submitter. Criteria: ACMG Guidelines, 2015. Collection method: not provided. Allele origin: germline. Inheritance: Autosomal recessive inheritance. Affected: yes.

Genetic Services Laboratory, University of Chicago
Classification: Likely benign for AllHighlyPenetrant. Review status: no assertion criteria provided. Collection method: clinical testing. Allele origin: germline. Inheritance: Autosomal dominant inheritance. Not counted in ClinVar's aggregate classification.
Comment: Likely benign based on allele frequency in 1000 Genomes Project or ESP global frequency and its presence in a patient with a rare or unrelated disease phenotype. NOT Sanger confirmed.